The following is an entry in ClinVar:

ClinVar aggregate classification (germline): Benign. Review status: criteria provided, multiple submitters, no conflicts (2 of 4 stars). 4 submissions from 4 submitters: Benign (3). 1 of the submissions does not count toward it. Last evaluated 2025-02-16.

Conditions:
Tuberous sclerosis syndrome (TSC). Also called: Tuberous Sclerosis Complex; Tuberous sclerosis. Identifiers: Orphanet 805, MedGen C0041341, MONDO:0001734.

Allele frequency attached by ClinVar (database versions not stated): 1000 Genomes Project 0.24121; 1000 Genomes Project 30x 0.24953; TOPMed 0.28400.
gnomAD v4.1: 286,655 of 1,538,084 alleles (19%); highest among the groups gnomAD compares: African/African-American, 54%; 33,023 homozygotes.

Submissions (4):

Laboratory of Genetics, Children's Clinical University Hospital Latvia
Classification: Benign. Last evaluated: 2025-02-16. Review status: criteria provided, single submitter. Criteria: ACMG Guidelines, 2015. Collection method: clinical testing. Allele origin: germline. Affected: yes.

Unidad de Genómica Garrahan, Hospital de Pediatría Garrahan
Classification: Benign. Last evaluated: 2024-07-31. Review status: criteria provided, single submitter. Criteria: ACMG Guidelines, 2015. Collection method: clinical testing. Allele origin: germline. Affected: no. Observed: 21 variant alleles.
Comment: This variant is classified as Benign based on local population frequency. This variant was detected in 23% of patients studied in a panel designed for Epileptic and Developmental Encephalopathy, Progressive Myoclonus Epilepsy and Abnormal Movements and Neurodegeneration with brain iron accumulation. Number of patients: 21. Only high quality variants are reported.

GeneDx
Classification: Benign. Last evaluated: 2018-06-19. Review status: criteria provided, single submitter. Criteria: GeneDx Variant Classification (06012015). Collection method: clinical testing. Allele origin: germline. Affected: yes.
Comment: This variant is considered likely benign or benign based on one or more of the following criteria: it is a conservative change, it occurs at a poorly conserved position in the protein, it is predicted to be benign by multiple in silico algorithms, and/or has population frequency not consistent with disease.

Tuberous sclerosis database (TSC2)
No classification provided. Condition: TSC. Review status: no classification provided. Criteria: Tuberous Sclerosis Database Assertion Criteria 2015. Collection method: curation. Allele origin: germline. Affected: yes. Not counted in ClinVar's aggregate classification.

NM_000548.5(TSC2):c.4850-109T>C

Genes: PKD1 (polycystin 1, transient receptor potential channel interacting; minus strand), TSC2 (TSC complex subunit 2; plus strand). Cytogenetic location: 16p13.3.
Variant type: single nucleotide variant.
Coding change: c.4850-109T>C on transcript NM_000548.5 (MANE Select); 109 bases into the intron before coding-DNA position 4850, T replaced by C.
Molecular consequence: intron variant.
Genome position (GRCh38, 1-based): chr16:2,086,623, T>C. VCF-style: chr16-2086623-T-C. GRCh37 (hg19) VCF-style: chr16-2136624-T-C.
Other names: c.4781-109T>C (NM_001114382.3); c.4721-109T>C (NM_021055.3, NM_001370405.1); c.4652-109T>C (NM_001363528.2); c.4718-109T>C (NM_001370404.1); c.4649-109T>C (NM_001077183.3); c.4541-109T>C (NM_001318827.2); c.4118-109T>C (NM_001318831.2); c.4505-109T>C (NM_001318829.2); and 1 more.
Identifiers: ClinVar variation 65253 (VCV000065253.5), dbSNP rs13335638, ClinGen allele CA021108.